The following is an entry in ClinVar:

ClinVar aggregate classification (germline): Uncertain significance (1 of 4 stars; one submission).

Conditions:
Hereditary cancer-predisposing syndrome. Also called: Hereditary Cancer Syndrome; Neoplastic Syndromes, Hereditary; Tumor predisposition; Hereditary neoplastic syndrome. Identifiers: Orphanet 140162, MedGen C0027672, MeSH D009386, MONDO:0015356.

Submission:

Ambry Genetics
Classification: Uncertain significance for Hereditary cancer-predisposing syndrome. Last evaluated: 2026-07-06. Review status: criteria provided, single submitter. Criteria: Ambry Variant Classification Scheme 2023. Collection method: clinical testing. Allele origin: germline.
Comment: The p.I517T variant (also known as c.1550T>C), located in coding exon 9 of the DICER1 gene, results from a T to C substitution at nucleotide position 1550. The isoleucine at codon 517 is replaced by threonine, an amino acid with similar properties. This amino acid position is conserved. In addition, this alteration is predicted to be deleterious by in silico analysis. Based on the available evidence, the clinical significance of this variant remains unclear.

NM_177438.3(DICER1):c.1550T>C (p.Ile517Thr)

Gene: DICER1 (dicer 1, ribonuclease III; minus strand). Cytogenetic location: 14q32.13.
Variant type: single nucleotide variant.
Coding change: c.1550T>C on transcript NM_177438.3 (MANE Select); coding-DNA position 1550, T replaced by C.
Protein change: p.Ile517Thr; replaces isoleucine 517 with threonine.
Molecular consequence: missense variant. On other transcripts: non-coding transcript variant (6), intron variant (1).
Genome position (GRCh38, 1-based): chr14:95,116,655, A>G on the plus strand (T>C on the coding strand, the complement: DICER1 is on the minus strand). VCF-style: chr14-95116655-A-G. GRCh37 (hg19) VCF-style: chr14-95582992-A-G.
Other names: c.1550T>C, p.Ile517Thr (NM_001195573.1, NM_001271282.3, NM_001291628.2 and 12 more transcripts); c.1268T>C, p.Ile423Thr (NM_001395686.1); c.1145T>C, p.Ile382Thr (NM_001395687.1, NM_001395688.1, NM_001395689.1 and 3 more transcripts); c.983T>C, p.Ile328Thr (NM_001395691.1); c.-59-75T>C (NM_001395697.1); short protein forms I382T, I328T, I423T, I517T.
Identifiers: ClinVar variation 5035245 (VCV005035245.1).